The following is an entry in ClinVar:

ClinVar aggregate classification (germline): Likely benign (0 of 4 stars; one submission).

Conditions:
TRIO-related disorder. Also called: TRIO-related disorders; TRIO-related condition.

Submission:

PreventionGenetics, part of Exact Sciences
Classification: Likely benign for TRIO-related condition. Last evaluated: 2020-04-01. Review status: no assertion criteria provided. Collection method: clinical testing. Allele origin: germline.
Comment: This variant is classified as likely benign based on ACMG/AMP sequence variant interpretation guidelines (Richards et al. 2015 PMID: 25741868, with internal and published modifications).

NM_007118.4(TRIO):c.4859+8T>C

Gene: TRIO (trio Rho guanine nucleotide exchange factor; plus strand). Cytogenetic location: 5p15.2.
Variant type: single nucleotide variant.
Coding change: c.4859+8T>C on transcript NM_007118.4 (MANE Select); 8 bases into the intron after coding-DNA position 4859, T replaced by C.
Molecular consequence: intron variant.
Genome position (GRCh38, 1-based): chr5:14,405,998, T>C. VCF-style: chr5-14405998-T-C. GRCh37 (hg19) VCF-style: chr5-14406107-T-C.
Identifiers: ClinVar variation 3054327 (VCV003054327.2), dbSNP rs2533044112, ClinGen allele CA2740091707.